The following is an entry in ClinVar:

NM_022765.4(MICAL1):c.2030A>G (p.Glu677Gly)

Gene: MICAL1 (microtubule associated monooxygenase, calponin and LIM domain containing 1; minus strand). Cytogenetic location: 6q21.
Variant type: single nucleotide variant.
Coding change: c.2030A>G on transcript NM_022765.4 (MANE Select); coding-DNA position 2030, A replaced by G.
Protein change: p.Glu677Gly; replaces glutamic acid 677 with glycine.
Molecular consequence: missense variant.
Genome position (GRCh38, 1-based): chr6:109,447,397, T>C on the plus strand (A>G on the coding strand, the complement: MICAL1 is on the minus strand). VCF-style: chr6-109447397-T-C. GRCh37 (hg19) VCF-style: chr6-109768600-T-C.
Other names: c.1772A>G, p.Glu591Gly (NM_001159291.2); c.2087A>G, p.Glu696Gly (NM_001286613.2); short protein forms E591G, E677G, E696G.
Identifiers: ClinVar variation 2786956 (VCV002786956.3), dbSNP rs2482781355, ClinGen allele CA365225924.

ClinVar aggregate classification (germline): Uncertain significance (1 of 4 stars; one submission).

Allele frequency attached by ClinVar (database versions not stated): gnomAD exomes below 0.00001.
gnomAD v4.1: 1 of 1,613,410 alleles (0.000062%); highest among the groups gnomAD compares: South Asian, 0.0011%; no homozygotes.

Submission:

Labcorp Genetics (formerly Invitae), Labcorp
Classification: Uncertain significance. Last evaluated: 2024-01-10. Review status: criteria provided, single submitter. Criteria: Invitae Variant Classification Sherloc (09022015). Collection method: clinical testing. Allele origin: germline.
Comment: This sequence change replaces glutamic acid, which is acidic and polar, with glycine, which is neutral and non-polar, at codon 696 of the MICAL1 protein (p.Glu696Gly). This variant is not present in population databases (gnomAD no frequency). This variant has not been reported in the literature in individuals affected with MICAL1-related conditions. An algorithm developed to predict the effect of missense changes on protein structure and function (PolyPhen-2) suggests that this variant is likely to be tolerated. In summary, the available evidence is currently insufficient to determine the role of this variant in disease. Therefore, it has been classified as a Variant of Uncertain Significance.